The following is an entry in ClinVar:

NM_152612.3(CCDC116):c.937C>T (p.Leu313=)

Gene: CCDC116 (coiled-coil domain containing 116; plus strand). Cytogenetic location: 22q11.21.
Variant type: single nucleotide variant.
Coding change: c.937C>T on transcript NM_152612.3 (MANE Select); coding-DNA position 937, C replaced by T.
Protein change: p.Leu313=; no amino-acid change (leucine 313 retained).
Molecular consequence: synonymous variant.
Genome position (GRCh38, 1-based): chr22:21,635,000, C>T. VCF-style: chr22-21635000-C-T. GRCh37 (hg19) VCF-style: chr22-21989289-C-T.
Other names: c.937C>T, p.Leu313= (NM_001331066.2).
Identifiers: ClinVar variation 2652946 (VCV002652946.24), dbSNP rs141095413, ClinGen allele CA10123141.

ClinVar aggregate classification (germline): Likely benign (1 of 4 stars; one submission).

Allele frequency attached by ClinVar (database versions not stated): 1000 Genomes Project 30x 0.00031; 1000 Genomes Project 0.00040; ExAC 0.00047; ESP Exome Variant Server 0.00054; gnomAD 0.00067; TOPMed 0.00077.

Submission:

CeGaT Center for Human Genetics Tuebingen
Classification: Likely benign. Last evaluated: 2022-11-01. Review status: criteria provided, single submitter. Criteria: CeGaT Center For Human Genetics Tuebingen Variant Classification Criteria Version 2. Collection method: clinical testing. Allele origin: germline. Affected: yes. Observed: 1 variant allele.
Comment: CCDC116: BP4, BP7